The following is an entry in ClinVar:

NM_002769.5(PRSS1):c.392C>A (p.Ala131Asp)

Genes: TRB (T cell receptor beta locus; plus strand), PRSS1 (serine protease 1; plus strand). Cytogenetic location: 7q34.
Variant type: single nucleotide variant.
Coding change: c.392C>A on transcript NM_002769.5 (MANE Select); coding-DNA position 392, C replaced by A.
Protein change: p.Ala131Asp; replaces alanine 131 with aspartic acid.
Molecular consequence: missense variant. On other transcripts: non-coding transcript variant (5).
Genome position (GRCh38, 1-based): chr7:142,751,965, C>A. VCF-style: chr7-142751965-C-A. GRCh37 (hg19) VCF-style: chr7-142459816-C-A.
Other names: short protein forms A131D.
Identifiers: ClinVar variation 1736251 (VCV001736251.3), dbSNP rs1798776850, ClinGen allele CA369609040.

ClinVar aggregate classification (germline): Uncertain significance (1 of 4 stars; one submission).

Conditions:
Hereditary pancreatitis (PCTT). Also called: Hereditary chronic pancreatitis; PRSS1-Related Hereditary Pancreatitis. Identifiers: Orphanet 676, MedGen C0238339, MONDO:0008185, OMIM 167800.

gnomAD v4.1: 1 of 1,614,136 alleles (0.000062%); highest among the groups gnomAD compares: South Asian, 0.0011%; no homozygotes.

Submission:

Ambry Genetics
Classification: Uncertain significance for Hereditary pancreatitis. Last evaluated: 2025-11-08. Review status: criteria provided, single submitter. Criteria: Ambry Variant Classification Scheme 2023. Collection method: clinical testing. Allele origin: germline.
Comment: The p.A131D variant (also known as c.392C>A), located in coding exon 3 of the PRSS1 gene, results from a C to A substitution at nucleotide position 392. The alanine at codon 131 is replaced by aspartic acid, an amino acid with dissimilar properties. This amino acid position is conserved. In addition, the in silico prediction for this alteration is inconclusive. Since supporting evidence is limited at this time, the clinical significance of this alteration remains unclear.